The following is an entry in ClinVar:

ClinVar aggregate classification (germline): Likely benign. Review status: criteria provided, multiple submitters, no conflicts (2 of 4 stars). 2 submissions from 2 submitters: Likely benign (2). Last evaluated 2025-11-19.

Conditions:
UGT1A1-related disorder. Also called: UGT1A1-related disorders; UGT1A1-related condition.

Allele frequency attached by ClinVar (database versions not stated): gnomAD exomes 0.00003 and 0.00010; gnomAD 0.00004; TOPMed 0.00005; ExAC 0.00017.
gnomAD v4.1: 51 of 1,614,076 alleles (0.0032%); highest among the groups gnomAD compares: East Asian, 0.016%; no homozygotes.

Submissions (2):

PreventionGenetics, part of Exact Sciences
Classification: Likely benign for UGT1A1-related condition. Last evaluated: 2025-11-19. Review status: criteria provided, single submitter. Criteria: ACMG Guidelines, 2015. Collection method: clinical testing. Allele origin: germline.
Comment: This variant is classified as likely benign based on ACMG/AMP sequence variant interpretation guidelines (Richards et al. 2015 PMID: 25741868, with internal and published modifications).

Labcorp Genetics (formerly Invitae), Labcorp
Classification: Likely benign. Last evaluated: 2018-08-15. Review status: criteria provided, single submitter. Criteria: Invitae Variant Classification Sherloc (09022015). Collection method: clinical testing. Allele origin: germline.

NM_000463.3(UGT1A1):c.1084+7T>C

Genes: UGT1A1 (UDP glucuronosyltransferase family 1 member A1; plus strand), UGT1A3 (UDP glucuronosyltransferase family 1 member A3; plus strand), UGT1A10 (UDP glucuronosyltransferase family 1 member A10; plus strand), UGT1A (UDP glucuronosyltransferase family 1 member A complex locus; plus strand), UGT1A4 (UDP glucuronosyltransferase family 1 member A4; plus strand) and 5 more. Cytogenetic location: 2q37.1.
Variant type: single nucleotide variant.
Coding change: c.1084+7T>C on transcript NM_000463.3 (MANE Select); 7 bases into the intron after coding-DNA position 1084, T replaced by C.
Molecular consequence: intron variant.
Genome position (GRCh38, 1-based): chr2:233,767,943, T>C. VCF-style: chr2-233767943-T-C. GRCh37 (hg19) VCF-style: chr2-234676589-T-C.
Other names: c.1075+7T>C (NM_019076.5, NM_019075.4, NM_021027.3 and 1 more transcripts); c.280+7T>C (NM_205862.3); c.1081+7T>C (NM_001072.4); c.1087+7T>C (NM_019078.2, NM_007120.3, NM_019093.4).
Identifiers: ClinVar variation 764913 (VCV000764913.4), dbSNP rs752420110, ClinGen allele CA2179988.